The following is an entry in ClinVar:

ClinVar aggregate classification (germline): Uncertain significance. Review status: criteria provided, multiple submitters, no conflicts (2 of 4 stars). 7 submissions from 7 submitters: Uncertain significance (5). 2 of the submissions do not count toward it. Last evaluated 2024-01-08.

Conditions:
Cardiovascular phenotype. Identifiers: MedGen CN230736.
Cholestanol storage disease (CTX). Also called: CEREBRAL CHOLESTERINOSIS; Cerebrotendinous Xanthomatosis; CTX: Cerebrotendinous xanthomatosis. Identifiers: Orphanet 909, MedGen C0238052, MONDO:0008948, OMIM 213700.
Intellectual disability. Also called: Intellectual developmental disorder; intellectual disabilities; Intellectual functioning disability. Identifiers: MedGen C3714756, MeSH D008607, MONDO:0001071, HP:0001249.

Allele frequency attached by ClinVar (database versions not stated): ESP Exome Variant Server 0.00008; ExAC 0.00017; gnomAD exomes 0.00005; gnomAD 0.00006 and 0.00007; TOPMed 0.00007.
gnomAD v4.1: 137 of 1,566,480 alleles (0.0087%); highest among the groups gnomAD compares: Middle Eastern, 0.019%; no homozygotes.

Submissions (7):

Blueprint Genetics
Classification: Uncertain significance. Last evaluated: 2024-01-08. Review status: criteria provided, single submitter. Criteria: ACMG Guidelines, 2015. Collection method: clinical testing. Allele origin: germline.

Ambry Genetics
Classification: Uncertain significance for Cardiovascular phenotype. Last evaluated: 2023-03-02. Review status: criteria provided, single submitter. Criteria: Ambry Variant Classification Scheme 2023. Collection method: clinical testing. Allele origin: germline.

Labcorp Genetics (formerly Invitae), Labcorp
Classification: Uncertain significance for Cholestanol storage disease. Last evaluated: 2022-10-17. Review status: criteria provided, single submitter. Criteria: Invitae Variant Classification Sherloc (09022015). Collection method: clinical testing. Allele origin: germline.
Comment: This sequence change replaces lysine, which is basic and polar, with threonine, which is neutral and polar, at codon 28 of the CYP27A1 protein (p.Lys28Thr). This variant is present in population databases (rs371449777, gnomAD 0.01%). This variant has not been reported in the literature in individuals affected with CYP27A1-related conditions. ClinVar contains an entry for this variant (Variation ID: 500828). Advanced modeling of protein sequence and biophysical properties (such as structural, functional, and spatial information, amino acid conservation, physicochemical variation, residue mobility, and thermodynamic stability) performed at Invitae indicates that this missense variant is not expected to disrupt CYP27A1 protein function. In summary, the available evidence is currently insufficient to determine the role of this variant in disease. Therefore, it has been classified as a Variant of Uncertain Significance.

GeneDx
Classification: Uncertain significance. Last evaluated: 2019-06-26. Review status: criteria provided, single submitter. Criteria: GeneDx Variant Classification Process June 2021. Collection method: clinical testing. Allele origin: germline. Affected: yes.
Comment: Has not been previously published as pathogenic or benign to our knowledge; In silico analysis, which includes protein predictors and evolutionary conservation, supports that this variant does not alter protein structure/function

Eurofins Ntd Llc (ga)
Classification: Uncertain significance. Last evaluated: 2017-03-13. Review status: criteria provided, single submitter. Criteria: EGL Classification Definitions 2015. Collection method: clinical testing. Allele origin: germline. Observed: 1 variant allele, 1 heterozygote.

Natera, Inc.
Classification: Uncertain significance for Cerebrotendinous xanthomatosis. Last evaluated: 2019-11-11. Review status: no assertion criteria provided. Collection method: clinical testing. Allele origin: germline. Not counted in ClinVar's aggregate classification.

Centre de Biologie Pathologie Génétique, Centre Hospitalier Universitaire de Lille
Classification: Likely benign for Intellectual disability. Last evaluated: 2019-01-01. Review status: no assertion criteria provided. Collection method: clinical testing. Allele origin: inherited. Affected: yes. Not counted in ClinVar's aggregate classification.

NM_000784.4(CYP27A1):c.83A>C (p.Lys28Thr)

Gene: CYP27A1 (cytochrome P450 family 27 subfamily A member 1; plus strand). Cytogenetic location: 2q35.
Variant type: single nucleotide variant.
Coding change: c.83A>C on transcript NM_000784.4 (MANE Select); coding-DNA position 83, A replaced by C.
Protein change: p.Lys28Thr; replaces lysine 28 with threonine.
Molecular consequence: missense variant.
Genome position (GRCh38, 1-based): chr2:218,782,265, A>C. VCF-style: chr2-218782265-A-C. GRCh37 (hg19) VCF-style: chr2-219646988-A-C.
Other names: short protein forms K28T.
Identifiers: ClinVar variation 500828 (VCV000500828.19), dbSNP rs371449777, ClinGen allele CA2112510.